The following is an entry in ClinVar:

NM_000019.4(ACAT1):c.380C>T (p.Ala127Val)

Gene: ACAT1 (acetyl-CoA acetyltransferase 1; plus strand). Cytogenetic location: 11q22.3.
Variant type: single nucleotide variant.
Coding change: c.380C>T on transcript NM_000019.4 (MANE Select); coding-DNA position 380, C replaced by T.
Protein change: p.Ala127Val; replaces alanine 127 with valine.
Molecular consequence: missense variant.
Genome position (GRCh38, 1-based): chr11:108,135,187, C>T. VCF-style: chr11-108135187-C-T. GRCh37 (hg19) VCF-style: chr11-108005914-C-T.
Other names: short protein forms A127V.
Identifiers: ClinVar variation 666479 (VCV000666479.8), dbSNP rs1591363760, ClinGen allele CA382506775.

ClinVar aggregate classification (germline): Pathogenic/Likely pathogenic. Review status: criteria provided, multiple submitters, no conflicts (2 of 4 stars). 4 submissions from 4 submitters: Pathogenic (2); Likely pathogenic (2). Last evaluated 2025-05-30.

Conditions:
Deficiency of acetyl-CoA acetyltransferase. Also called: 3-KETOTHIOLASE DEFICIENCY; 3-OXOTHIOLASE DEFICIENCY; Beta-ketothiolase deficiency; MITOCHONDRIAL ACETOACETYL-CoA THIOLASE DEFICIENCY. Identifiers: Orphanet 134, MedGen C1536500, MONDO:0008760, OMIM 203750. Disease mechanism: loss of function.

Allele frequency attached by ClinVar (database versions not stated): TOPMed below 0.00001; gnomAD 0.00001.
gnomAD v4.1: 1 of 1,613,730 alleles (0.000062%); highest among the groups gnomAD compares: Admixed American, 0.0017%; no homozygotes.

Submissions (4):

Labcorp Genetics (formerly Invitae), Labcorp
Classification: Pathogenic for Deficiency of acetyl-CoA acetyltransferase. Last evaluated: 2025-05-30. Review status: criteria provided, single submitter. Criteria: Invitae Variant Classification Sherloc (09022015). Collection method: clinical testing. Allele origin: germline.
Comment: This sequence change replaces alanine, which is neutral and non-polar, with valine, which is neutral and non-polar, at codon 127 of the ACAT1 protein (p.Ala127Val). RNA analysis indicates that this missense change induces altered splicing and likely results in the loss of 17 amino acid residue(s), but is expected to preserve the integrity of the reading-frame. This variant is not present in population databases (gnomAD no frequency). This missense change has been observed in individual(s) with beta-ketothiolase deficiency (PMID: 11161837, 11914035). It has also been observed to segregate with disease in related individuals. ClinVar contains an entry for this variant (Variation ID: 666479). Invitae Evidence Modeling of protein sequence and biophysical properties (such as structural, functional, and spatial information, amino acid conservation, physicochemical variation, residue mobility, and thermodynamic stability) indicates that this missense variant is expected to disrupt ACAT1 protein function with a positive predictive value of 95%. Experimental studies have shown that this missense change affects ACAT1 function (PMID: 11914035). Studies have shown that this missense change results in the activation of a cryptic splice site in exon 5 (PMID: 11161837). This variant disrupts a region of the ACAT1 protein in which other variant(s) (p.Cys126Ser) have been determined to be pathogenic (PMID: 31268215; internal data). This suggests that this is a clinically significant region of the protein, and that variants that disrupt it are likely to be disease-causing. For these reasons, this variant has been classified as Pathogenic.

Myriad Genetics, Inc.
Classification: Likely pathogenic for Deficiency of acetyl-CoA acetyltransferase. Last evaluated: 2025-02-14. Review status: criteria provided, single submitter. Criteria: Myriad Autosomal Dominant, Autosomal Recessive and X-Linked Classification Criteria (2023). Collection method: clinical testing. Allele origin: unknown.
Comment: NM_000019.3(ACAT1):c.380C>T(A127V) is a missense variant classified as likely pathogenic in the context of beta-ketothiolase deficiency. A127V has been observed in a case with relevant disease (PMID: 11161837). Relevant functional assessments of this variant are available in the literature (PMID: 11161837). Internal structural analysis of the variant is supportive of pathogenicity. A127V has not been observed in referenced population frequency databases. In summary, NM_000019.3(ACAT1):c.380C>T(A127V) is a missense variant that has both functional and internal structural support for pathogenicity and has been observed more frequently in cases with the relevant disease than in healthy populations. Please note: this variant was assessed in the context of healthy population screening.

Baylor Genetics
Classification: Likely pathogenic for Deficiency of acetyl-CoA acetyltransferase. Last evaluated: 2023-07-10. Review status: criteria provided, single submitter. Criteria: ACMG Guidelines, 2015. Collection method: clinical testing. Allele origin: unknown.

Department of Pediatrics, Gifu University
Classification: Pathogenic for Deficiency of acetyl-CoA acetyltransferase. Last evaluated: 2019-05-05. Review status: criteria provided, single submitter. Criteria: ACMG Guidelines, 2015. Collection method: research. Allele origin: germline. Affected: yes. Observed: 2 variant alleles.

Literature cited by the submitters: PubMed 11161837 (cited by 3 submitters); PubMed 11914035 (cited by Labcorp Genetics (formerly Invitae), Labcorp); PubMed 31268215 (cited by Labcorp Genetics (formerly Invitae), Labcorp and Department of Pediatrics, Gifu University).